The following is an entry in ClinVar:

ClinVar aggregate classification (germline): Uncertain significance. Review status: criteria provided, multiple submitters, no conflicts (2 of 4 stars). 2 submissions from 2 submitters: Uncertain significance (2). Last evaluated 2024-12-13.

Conditions:
Maturity-onset diabetes of the young type 1. Also called: HNF4A-Related Maturity-Onset Diabetes of the Young Type 1; MODY, type I; MODY type 1; Diabetes mellitus MODY type 1; MODY HNF4A related; MILD JUVENILE DIABETES MELLITUS. Identifiers: Orphanet 552, MedGen C1852093, MONDO:0007452, OMIM 125850. Disease mechanism: loss of function.

Submissions (2):

MVZ Medizinische Genetik Mainz
Classification: Uncertain significance for Maturity-onset diabetes of the young type 1. Last evaluated: 2024-12-13. Review status: criteria provided, single submitter. Criteria: UK Practice Guidelines For Variant Classification V4 01 2020. Collection method: clinical testing. Allele origin: germline. Inheritance: Autosomal dominant inheritance. Affected: yes. Observed: 1 variant allele.
Comment: ACMG Criteria: PM4,PM2_SUP

Blueprint Genetics
Classification: Uncertain significance. Last evaluated: 2021-12-30. Review status: criteria provided, single submitter. Criteria: ACMG Guidelines, 2015. Collection method: clinical testing. Allele origin: germline.

NM_175914.5(HNF4A):c.1151_1162del (p.Asn384_Pro387del)

Gene: HNF4A (hepatocyte nuclear factor 4 alpha; plus strand). Cytogenetic location: 20q13.12.
Variant type: Deletion.
Coding change: c.1151_1162del on transcript NM_175914.5 (MANE Select); coding-DNA positions 1151 to 1162, 12 bases deleted (ACACAATGCCCA).
Protein change: p.Asn384_Pro387del.
Molecular consequence: inframe deletion.
Genome position (GRCh38, 1-based): chr20:44,428,422-44,428,433, ACACAATGCCCA deleted; deleting any 12 consecutive bases within chr20:44,428,419-44,428,433 gives the same sequence; the c. name uses the placement nearest the transcript's 3' end. VCF-style (leftmost placement, unchanged base first): chr20-44428418-GCCAACACAATGC-G. GRCh37 (hg19) VCF-style: chr20-43057058-GCCAACACAATGC-G.
Other names: c.1217_1228del, p.Asn406_Pro409del (NM_000457.6, NM_178849.3); c.1151_1162del, p.Asn384_Pro387del (NM_001030003.3); c.1196_1207del, p.Asn399_Pro402del (NM_001258355.2); c.1142_1153del, p.Asn381_Pro384del (NM_001287182.2, NM_001287183.2).
Identifiers: ClinVar variation 3392556 (VCV003392556.2).